The following is an entry in ClinVar:

ClinVar aggregate classification (germline): Uncertain significance (1 of 4 stars; one submission).

Submission:

Labcorp Genetics (formerly Invitae), Labcorp
Classification: Uncertain significance. Last evaluated: 2025-01-22. Review status: criteria provided, single submitter. Criteria: Invitae Variant Classification Sherloc (09022015). Collection method: clinical testing. Allele origin: germline.
Comment: This sequence change replaces proline, which is neutral and non-polar, with histidine, which is basic and polar, at codon 1261 of the ZNF469 protein (p.Pro1261His). This variant is not present in population databases (gnomAD no frequency). This variant has not been reported in the literature in individuals affected with ZNF469-related conditions. An algorithm developed to predict the effect of missense changes on protein structure and function (PolyPhen-2) suggests that this variant is likely to be disruptive. In summary, the available evidence is currently insufficient to determine the role of this variant in disease. Therefore, it has been classified as a Variant of Uncertain Significance.

NM_001367624.2(ZNF469):c.3866C>A (p.Pro1289His)

Gene: ZNF469 (zinc finger protein 469; plus strand). Cytogenetic location: 16q24.2.
Variant type: single nucleotide variant.
Coding change: c.3866C>A on transcript NM_001367624.2 (MANE Select); coding-DNA position 3866, C replaced by A.
Protein change: p.Pro1289His; replaces proline 1289 with histidine.
Molecular consequence: missense variant.
Genome position (GRCh38, 1-based): chr16:88,431,336, C>A. VCF-style: chr16-88431336-C-A. GRCh37 (hg19) VCF-style: chr16-88497744-C-A.
Other names: short protein forms P1289H.
Identifiers: ClinVar variation 4807275 (VCV004807275.1).